The following is an entry in ClinVar:

NM_018088.3(FAM90A1):c.1167C>T (p.Ala389=)

Gene: FAM90A1 (family with sequence similarity 90 member A1; minus strand). Cytogenetic location: 12p13.31.
Variant type: single nucleotide variant.
Coding change: c.1167C>T on transcript NM_018088.3 (MANE Select); coding-DNA position 1167, C replaced by T.
Protein change: p.Ala389=; no amino-acid change (alanine 389 retained).
Molecular consequence: synonymous variant.
Genome position (GRCh38, 1-based): chr12:8,222,050, G>A on the plus strand (C>T on the coding strand, the complement: FAM90A1 is on the minus strand). VCF-style: chr12-8222050-G-A. GRCh37 (hg19) VCF-style: chr12-8374646-G-A.
Other names: c.1167C>T, p.Ala389= (NM_001319982.2).
Identifiers: ClinVar variation 2642687 (VCV002642687.24), dbSNP rs138275793, ClinGen allele CA6433052.

ClinVar aggregate classification (germline): Likely benign (1 of 4 stars; one submission).

Allele frequency attached by ClinVar (database versions not stated): 1000 Genomes Project 0.00439; 1000 Genomes Project 30x 0.00468; ESP Exome Variant Server 0.00527; TOPMed 0.00563; gnomAD 0.00608; ExAC 0.00611; gnomAD exomes 0.00649.

Submission:

CeGaT Center for Human Genetics Tuebingen
Classification: Likely benign. Last evaluated: 2025-12-01. Review status: criteria provided, single submitter. Criteria: CeGaT Center For Human Genetics Tuebingen Variant Classification Criteria Version 2. Collection method: clinical testing. Allele origin: germline. Affected: yes. Observed: 3 variant alleles.
Comment: FAM90A1: BP4, BP7, BS2